The following is an entry in ClinVar:

ClinVar aggregate classification (germline): Likely pathogenic (1 of 4 stars; one submission).

Submission:

GeneDx
Classification: Likely pathogenic. Last evaluated: 2023-04-14. Review status: criteria provided, single submitter. Criteria: GeneDx Variant Classification Process June 2021. Collection method: clinical testing. Allele origin: germline. Affected: yes.
Comment: Frameshift variant predicted to result in protein truncation, as the last 357 amino acids are replaced with 157 different amino acids, and other loss-of-function variants have been reported downstream in HGMD; Not observed at significant frequency in large population cohorts (gnomAD); Has not been previously published as pathogenic or benign to our knowledge

NM_005378.6(MYCN):c.321dup (p.Asn108fs)

Genes: MYCN (MYCN proto-oncogene, bHLH transcription factor; plus strand), MYCNOS (MYCN opposite strand; minus strand). Cytogenetic location: 2p24.3.
Variant type: Duplication.
Coding change: c.321dup on transcript NM_005378.6 (MANE Select); coding-DNA position 321, one base duplicated (C; older notation c.321dupC).
Protein change: p.Asn108fs; shifts the reading frame from asparagine 108.
Molecular consequence: frameshift variant. On other transcripts: non-coding transcript variant (1), 3 prime UTR variant (1), intron variant (1).
Genome position (GRCh38, 1-based): chr2:15,942,385, C duplicated; the last of 5 consecutive C bases (chr2:15,942,381-15,942,385); duplicating any one gives the same sequence. VCF-style (leftmost placement, unchanged base first): chr2-15942380-A-AC. GRCh37 (hg19) VCF-style: chr2-16082502-A-AC.
Other names: c.321dup, p.Asn108fs (NM_001293228.2); c.*256dup (NM_001293233.2); c.157+1642dup (NM_001293231.2); short protein forms N108fs.
Identifiers: ClinVar variation 2663700 (VCV002663700.1), dbSNP rs2527925425, ClinGen allele CA2695200423.